The following is an entry in ClinVar:

ClinVar aggregate classification (germline): Uncertain significance (1 of 4 stars; one submission).

Conditions:
Familial adenomatous polyposis 1 (FAP1). Also called: FAMILIAL ADENOMATOUS POLYPOSIS 1, ATTENUATED; POLYPOSIS, ADENOMATOUS INTESTINAL. Identifiers: MedGen C2713442, MONDO:0021056, OMIM 175100. Disease mechanism: loss of function.

Submission:

Labcorp Genetics (formerly Invitae), Labcorp
Classification: Uncertain significance for Familial adenomatous polyposis 1. Last evaluated: 2021-06-20. Review status: criteria provided, single submitter. Criteria: Invitae Variant Classification Sherloc (09022015). Collection method: clinical testing. Allele origin: germline.
Comment: In summary, the available evidence is currently insufficient to determine the role of this variant in disease. Therefore, it has been classified as a Variant of Uncertain Significance. Algorithms developed to predict the effect of missense changes on protein structure and function (SIFT, PolyPhen-2, Align-GVGD) all suggest that this variant is likely to be tolerated, but these predictions have not been confirmed by published functional studies and their clinical significance is uncertain. This variant has not been reported in the literature in individuals with APC-related conditions. This variant is not present in population databases (ExAC no frequency). This sequence change replaces lysine with isoleucine at codon 1207 of the APC protein (p.Lys1207Ile). The lysine residue is highly conserved and there is a moderate physicochemical difference between lysine and isoleucine.

NM_000038.6(APC):c.3620A>T (p.Lys1207Ile)

Gene: APC (APC regulator of Wnt signaling pathway; plus strand). Cytogenetic location: 5q22.2.
Variant type: single nucleotide variant.
Coding change: c.3620A>T on transcript NM_000038.6 (MANE Select); coding-DNA position 3620, A replaced by T.
Protein change: p.Lys1207Ile; replaces lysine 1207 with isoleucine.
Molecular consequence: missense variant.
Genome position (GRCh38, 1-based): chr5:112,839,214, A>T. VCF-style: chr5-112839214-A-T. GRCh37 (hg19) VCF-style: chr5-112174911-A-T.
Other names: c.3620A>T, p.Lys1207Ile (NM_001127510.3, NM_001354895.2); c.3566A>T, p.Lys1189Ile (NM_001127511.3); c.3674A>T, p.Lys1225Ile (NM_001354896.2); c.3650A>T, p.Lys1217Ile (NM_001354897.2); c.3545A>T, p.Lys1182Ile (NM_001354898.2); c.3536A>T, p.Lys1179Ile (NM_001354899.2); c.3497A>T, p.Lys1166Ile (NM_001354900.2); c.3443A>T, p.Lys1148Ile (NM_001354901.2); and 5 more; short protein forms K1148I, K1217I, K1106I, K1116I, K1179I, K1182I, K1225I, K1081I.
Identifiers: ClinVar variation 1399119 (VCV001399119.8), dbSNP rs2149895690, ClinGen allele CA16029285.